The following is an entry in ClinVar:

NM_001164508.2(NEB):c.4315G>A (p.Glu1439Lys)

Gene: NEB (nebulin; minus strand). Cytogenetic location: 2q23.3.
Variant type: single nucleotide variant.
Coding change: c.4315G>A on transcript NM_001164508.2 (MANE Select); coding-DNA position 4315, G replaced by A.
Protein change: p.Glu1439Lys; replaces glutamic acid 1439 with lysine.
Molecular consequence: missense variant.
Genome position (GRCh38, 1-based): chr2:151,671,214, C>T on the plus strand (G>A on the coding strand, the complement: NEB is on the minus strand). VCF-style: chr2-151671214-C-T. GRCh37 (hg19) VCF-style: chr2-152527728-C-T.
Other names: c.4315G>A (NM_004543.4); c.4315G>A, p.Glu1439Lys (NM_001164507.2, NM_001271208.2, NM_004543.5); short protein forms E1439K.
Identifiers: ClinVar variation 948154 (VCV000948154.13), dbSNP rs771779312, ClinGen allele CA1910657.

ClinVar aggregate classification (germline): Conflicting classifications of pathogenicity. Review status: criteria provided, conflicting classifications (1 of 4 stars). 4 submissions from 4 submitters: Uncertain significance (2); Likely benign (1). 1 of the submissions does not count toward it. Last evaluated 2026-01-05.

Conditions:
Nemaline myopathy 2 (NEM2). Also called: Nemaline myopathy 2, autosomal recessive. Identifiers: MedGen C1850569, MONDO:0009725, OMIM 256030.
Inborn genetic diseases. Identifiers: MedGen C0950123, MeSH D030342.

Allele frequency attached by ClinVar (database versions not stated): gnomAD exomes 0.00001 and 0.00002; ExAC 0.00002; gnomAD 0.00004; TOPMed 0.00004.
gnomAD v4.1: 29 of 1,612,970 alleles (0.0018%); highest among the groups gnomAD compares: Admixed American, 0.005%; no homozygotes.

Submissions (4):

Labcorp Genetics (formerly Invitae), Labcorp
Classification: Likely benign for Nemaline myopathy 2. Last evaluated: 2026-01-05. Review status: criteria provided, single submitter. Criteria: Invitae Variant Classification Sherloc (09022015). Collection method: clinical testing. Allele origin: germline.

Ambry Genetics
Classification: Uncertain significance for Inborn genetic diseases. Last evaluated: 2024-11-25. Review status: criteria provided, single submitter. Criteria: Ambry Variant Classification Scheme 2023. Collection method: clinical testing. Allele origin: germline.

Baylor Genetics
Classification: Uncertain significance for Nemaline myopathy 2. Last evaluated: 2018-12-21. Review status: criteria provided, single submitter. Criteria: ACMG Guidelines, 2015. Collection method: clinical testing. Allele origin: maternal. Affected: yes.
Comment: This variant was determined to be of uncertain significance according to ACMG Guidelines, 2015 [PMID:25741868].

Natera, Inc.
Classification: Uncertain significance for Nemaline myopathy type 2. Last evaluated: 2020-04-01. Review status: no assertion criteria provided. Collection method: clinical testing. Allele origin: germline. Not counted in ClinVar's aggregate classification.